The following is an entry in ClinVar:

NM_152743.4(BRAT1):c.1198C>G (p.Leu400Val)

Gene: BRAT1 (BRCA1 associated ATM activator 1; minus strand). Cytogenetic location: 7p22.3.
Variant type: single nucleotide variant.
Coding change: c.1198C>G on transcript NM_152743.4 (MANE Select); coding-DNA position 1198, C replaced by G.
Protein change: p.Leu400Val; replaces leucine 400 with valine.
Molecular consequence: missense variant. On other transcripts: non-coding transcript variant (1).
Genome position (GRCh38, 1-based): chr7:2,541,421, G>C on the plus strand (C>G on the coding strand, the complement: BRAT1 is on the minus strand). VCF-style: chr7-2541421-G-C. GRCh37 (hg19) VCF-style: chr7-2581055-G-C.
Other names: c.1198C>G, p.Leu400Val (NM_001350626.2); c.673C>G, p.Leu225Val (NM_001350627.2); short protein forms L400V, L225V.
Identifiers: ClinVar variation 472932 (VCV000472932.8), dbSNP rs778690788, ClinGen allele CA4127886.

ClinVar aggregate classification (germline): Uncertain significance. Review status: criteria provided, multiple submitters, no conflicts (2 of 4 stars). 3 submissions from 3 submitters: Uncertain significance (3). Last evaluated 2022-08-23.

Conditions:
Neonatal-onset encephalopathy with rigidity and seizures. Also called: Lethal neonatal spasticity-epileptic encephalopathy syndrome. Identifiers: Orphanet 435845, MedGen C3281029, MONDO:0013784, OMIM 614498.
Neurodevelopmental disorder with cerebellar atrophy and with or without seizures. Identifiers: MedGen C4748032, MONDO:0020841, OMIM 618056.

Allele frequency attached by ClinVar (database versions not stated): ExAC 0.00002; gnomAD 0.00004 and 0.00005; gnomAD exomes 0.00004 and 0.00011; TOPMed 0.00005.
gnomAD v4.1: 179 of 1,590,630 alleles (0.011%); highest among the groups gnomAD compares: Non-Finnish European, 0.014%; no homozygotes.

Submissions (3):

Labcorp Genetics (formerly Invitae), Labcorp
Classification: Uncertain significance for Neonatal-onset encephalopathy with rigidity and seizures. Last evaluated: 2022-08-23. Review status: criteria provided, single submitter. Criteria: Invitae Variant Classification Sherloc (09022015). Collection method: clinical testing. Allele origin: germline.
Comment: This sequence change replaces leucine, which is neutral and non-polar, with valine, which is neutral and non-polar, at codon 400 of the BRAT1 protein (p.Leu400Val). This variant is present in population databases (rs778690788, gnomAD 0.008%). This variant has not been reported in the literature in individuals affected with BRAT1-related conditions. ClinVar contains an entry for this variant (Variation ID: 472932). Algorithms developed to predict the effect of missense changes on protein structure and function (SIFT, PolyPhen-2, Align-GVGD) all suggest that this variant is likely to be tolerated. Algorithms developed to predict the effect of sequence changes on RNA splicing suggest that this variant may create or strengthen a splice site. In summary, the available evidence is currently insufficient to determine the role of this variant in disease. Therefore, it has been classified as a Variant of Uncertain Significance.

Victorian Clinical Genetics Services, Murdoch Childrens Research Institute
Classification: Uncertain significance for Neurodevelopmental disorder with cerebellar atrophy and with or without seizures. Last evaluated: 2020-05-26. Review status: criteria provided, single submitter. Criteria: ACMG Guidelines, 2015. Collection method: clinical testing. Allele origin: germline. Inheritance: Autosomal recessive inheritance. Affected: yes.
Comment: Based on the classification scheme VCGS_Germline_v1.1.1, this variant is classified as 3C-VUS. Following criteria are met: 0102 - Loss-of-function is a known mechanism of disease for this gene. (N) 0106 - This gene is known to be associated with autosomal recessive disease. (N) 0200 - Variant is predicted to result in a missense amino acid change from leucine to valine (exon 9). (N) 0251 - Variant is heterozygous. (N) 0304 - Variant is present in gnomAD <0.01 for a recessive condition (9 heterozygtoes, 0 homozygotes). (P) 0503 - Missense variant consistently predicted to be tolerated or not conserved in mammals with a minor amino acid change. (B) 0604 - Variant is not located in an established domain, motif, hotspot or informative constraint region. (N) 0705 - No comparable variants have previous evidence for pathogenicity. (N) 0804 - Variant has previously been described as variant of uncertain significance in independent cases with consistent phenotype. (ClinVar) (N) 0905 - No segregation evidence has been identified for this variant. (N) 1007 - No published functional evidence has been identified for this variant. (N) 1208 - Inheritance information for this variant is not currently available. (N) Legend: (P) - Pathogenic, (N) - Neutral, (B) - Benign

Fulgent Genetics
Classification: Uncertain significance for Neonatal-onset encephalopathy with rigidity and seizures; Neurodevelopmental disorder with cerebellar atrophy and with or without seizures. Last evaluated: 2018-10-31. Review status: criteria provided, single submitter. Criteria: ACMG Guidelines, 2015. Collection method: clinical testing. Allele origin: unknown.